The following is an entry in ClinVar:

NM_001130144.3(LTBP3):c.2951T>C (p.Val984Ala)

Genes: LTBP3 (latent transforming growth factor beta binding protein 3; minus strand), LOC121832793 (Sharpr-MPRA regulatory region 4001; plus strand). Cytogenetic location: 11q13.1.
Variant type: single nucleotide variant.
Coding change: c.2951T>C on transcript NM_001130144.3 (MANE Select); coding-DNA position 2951, T replaced by C.
Protein change: p.Val984Ala; replaces valine 984 with alanine.
Molecular consequence: missense variant.
Genome position (GRCh38, 1-based): chr11:65,540,897, A>G on the plus strand (T>C on the coding strand, the complement: LTBP3 is on the minus strand). VCF-style: chr11-65540897-A-G. GRCh37 (hg19) VCF-style: chr11-65308368-A-G.
Other names: c.2600T>C, p.Val867Ala (NM_001164266.1); c.2951T>C, p.Val984Ala (NM_021070.4); short protein forms V867A, V984A.
Identifiers: ClinVar variation 2099660 (VCV002099660.4), dbSNP rs2496128562, ClinGen allele CA381268012.

ClinVar aggregate classification (germline): Uncertain significance (1 of 4 stars; one submission).

Conditions:
Brachyolmia-amelogenesis imperfecta syndrome. Also called: PLATYSPONDYLY WITH AMELOGENESIS IMPERFECTA; Tooth agenesis, selective, 6; Dental anomalies and short stature. Identifiers: Orphanet 2899, MedGen C1832594, MONDO:0011018, OMIM 601216. Disease mechanism: loss of function.

Allele frequency attached by ClinVar (database versions not stated): gnomAD 0.00001.
gnomAD v4.1: 1 of 1,613,166 alleles (0.000062%); highest among the groups gnomAD compares: East Asian, 0.0022%; no homozygotes.

Submission:

Labcorp Genetics (formerly Invitae), Labcorp
Classification: Uncertain significance for Brachyolmia-amelogenesis imperfecta syndrome. Last evaluated: 2022-02-24. Review status: criteria provided, single submitter. Criteria: Invitae Variant Classification Sherloc (09022015). Collection method: clinical testing. Allele origin: germline.
Comment: This variant has not been reported in the literature in individuals affected with LTBP3-related conditions. In summary, the available evidence is currently insufficient to determine the role of this variant in disease. Therefore, it has been classified as a Variant of Uncertain Significance. Algorithms developed to predict the effect of missense changes on protein structure and function (SIFT, PolyPhen-2, Align-GVGD) all suggest that this variant is likely to be tolerated. This variant is not present in population databases (gnomAD no frequency). This sequence change replaces valine, which is neutral and non-polar, with alanine, which is neutral and non-polar, at codon 984 of the LTBP3 protein (p.Val984Ala).